The following is an entry in ClinVar:

NM_024334.3(TMEM43):c.693C>T (p.Pro231=)

Gene: TMEM43 (transmembrane protein 43; plus strand). Cytogenetic location: 3p25.1.
Variant type: single nucleotide variant.
Coding change: c.693C>T on transcript NM_024334.3 (MANE Select); coding-DNA position 693, C replaced by T.
Protein change: p.Pro231=; no amino-acid change (proline 231 retained).
Molecular consequence: synonymous variant.
Genome position (GRCh38, 1-based): chr3:14,134,879, C>T. VCF-style: chr3-14134879-C-T. GRCh37 (hg19) VCF-style: chr3-14176379-C-T.
Other names: c.696C>T, p.Pro232= (NM_001407274.1); c.693C>T, p.Pro231= (NM_001407275.1, NM_001407276.1, NM_001407277.1 and 1 more transcripts); c.678C>T, p.Pro226= (NM_001407278.1); c.543C>T, p.Pro181= (NM_001407280.1).
Identifiers: ClinVar variation 3070577 (VCV003070577.1), dbSNP rs2470188152, ClinGen allele CA432551889.

ClinVar aggregate classification (germline): Likely benign (1 of 4 stars; one submission).

Conditions:
Arrhythmogenic right ventricular dysplasia 5. Also called: Arrhythmogenic Right Ventricular Dysplasia/Cardiomyopathy 5; ARRHYTHMOGENIC RIGHT VENTRICULAR DYSPLASIA, FAMILIAL, 5. Identifiers: MedGen C1858379, MONDO:0011459, OMIM 604400.

Submission:

All of Us Research Program, National Institutes of Health
Classification: Likely benign for Arrhythmogenic right ventricular dysplasia 5. Last evaluated: 2023-04-28. Review status: criteria provided, single submitter. Criteria: ACMG Guidelines, 2015. Collection method: clinical testing. Allele origin: germline. Inheritance: Autosomal dominant inheritance. Observed: 1 variant allele, 1 heterozygote.
Comment: This study involves interpretation of variants in research participants for the purpose of population health screening. Participant phenotype was not available at the time of variant classification. Additional details can be found in publication PMID: 35346344, PMCID: PMC8962531